The following is an entry in ClinVar:

ClinVar aggregate classification (germline): Uncertain significance (1 of 4 stars; one submission).

Conditions:
Lipodystrophy, partial, acquired, susceptibility to (APLD). Also called: APLD, SUSCEPTIBILITY TO. Identifiers: MedGen C3887501, MONDO:0100476, OMIM 608709.
Progressive myoclonic epilepsy type 9. Identifiers: Orphanet 457265, MedGen C4225289, MONDO:0014685, OMIM 616540.

Submission:

Labcorp Genetics (formerly Invitae), Labcorp
Classification: Uncertain significance for Progressive myoclonic epilepsy type 9; Lipodystrophy, partial, acquired, susceptibility to. Last evaluated: 2022-10-07. Review status: criteria provided, single submitter. Criteria: Invitae Variant Classification Sherloc (09022015). Collection method: clinical testing. Allele origin: germline.
Comment: A copy number gain of the genomic region encompassing the full coding sequence of the LMNB2 gene has been identified. The boundaries of this event are unknown as they extend beyond the assayed region for this gene and therefore may encompass additional genes. As the precise location of this event is unknown, it may be in tandem or it may be located elsewhere in the genome. This variant has not been reported in the literature in individuals affected with LMNB2-related conditions. In summary, the available evidence is currently insufficient to determine the role of this variant in disease. Therefore, it has been classified as a Variant of Uncertain Significance.

NC_000019.9:g.(?_1456055)_(2456931_?)dup

Genes: ABHD17A (abhydrolase domain containing 17A, depalmitoylase; minus strand), ADAMTSL5 (ADAMTS like 5; minus strand), ADAT3 (adenosine deaminase tRNA specific 3; plus strand), AMH (anti-Mullerian hormone; plus strand), AP3D1 (adaptor related protein complex 3 subunit delta 1; minus strand) and 32 more. Cytogenetic location: 19p13.3.
Variant type: Duplication.
Identifiers: ClinVar variation 2427064 (VCV002427064.2).